The following is an entry in ClinVar:

ClinVar aggregate classification (germline): Uncertain significance (1 of 4 stars; one submission).

Conditions:
Brachyolmia-amelogenesis imperfecta syndrome. Also called: Tooth agenesis, selective, 6; Dental anomalies and short stature; PLATYSPONDYLY WITH AMELOGENESIS IMPERFECTA. Identifiers: Orphanet 2899, MedGen C1832594, MONDO:0011018, OMIM 601216. Disease mechanism: loss of function.

Allele frequency attached by ClinVar (database versions not stated): gnomAD exomes below 0.00001.
gnomAD v4.1: 2 of 1,614,076 alleles (0.00012%); highest among the groups gnomAD compares: Admixed American, 0.0033%; no homozygotes.

Submission:

Labcorp Genetics (formerly Invitae), Labcorp
Classification: Uncertain significance for Brachyolmia-amelogenesis imperfecta syndrome. Last evaluated: 2021-02-21. Review status: criteria provided, single submitter. Criteria: Invitae Variant Classification Sherloc (09022015). Collection method: clinical testing. Allele origin: germline.
Comment: In summary, the available evidence is currently insufficient to determine the role of this variant in disease. Therefore, it has been classified as a Variant of Uncertain Significance. Algorithms developed to predict the effect of sequence changes on RNA splicing suggest that this variant is not likely to affect RNA splicing, but this prediction has not been confirmed by published transcriptional studies. This variant has not been reported in the literature in individuals with LTBP3-related conditions. This sequence change affects codon 825 of the LTBP3 mRNA. It is a 'silent' change, meaning that it does not change the encoded amino acid sequence of the LTBP3 protein. This variant is not present in population databases (ExAC no frequency).

NM_001130144.3(LTBP3):c.2475G>A (p.Glu825=)

Gene: LTBP3 (latent transforming growth factor beta binding protein 3; minus strand). Cytogenetic location: 11q13.1.
Variant type: single nucleotide variant.
Coding change: c.2475G>A on transcript NM_001130144.3 (MANE Select); coding-DNA position 2475, G replaced by A.
Protein change: p.Glu825=; no amino-acid change (glutamic acid 825 retained).
Molecular consequence: synonymous variant.
Genome position (GRCh38, 1-based): chr11:65,543,428, C>T on the plus strand (G>A on the coding strand, the complement: LTBP3 is on the minus strand). VCF-style: chr11-65543428-C-T. GRCh37 (hg19) VCF-style: chr11-65310899-C-T.
Other names: c.2124G>A, p.Glu708= (NM_001164266.1); c.2475G>A, p.Glu825= (NM_021070.4).
Identifiers: ClinVar variation 1374684 (VCV001374684.8), dbSNP rs1465792342, ClinGen allele CA475029809.